The following is an entry in ClinVar:

ClinVar aggregate classification (germline): Uncertain significance (1 of 4 stars; one submission).

Conditions:
Autosomal recessive ataxia, Beauce type. Also called: ATAXIA, RECESSIVE, OF BEAUCE; Spinocerebellar ataxia, autosomal recessive 8; SYNE1-Related Autosomal Recessive Cerebellar Ataxia; SYNE1 Deficiency. Identifiers: Orphanet 88644, MedGen C1853116, MONDO:0012549, OMIM 610743.
Emery-Dreifuss muscular dystrophy 4, autosomal dominant (EDMD4). Also called: EMERY-DREIFUSS MUSCULAR DYSTROPHY 4 WITH VARIABLE FEATURES. Identifiers: Orphanet 261, MedGen C2751807, MONDO:0013071, OMIM 612998.

Allele frequency attached by ClinVar (database versions not stated): gnomAD exomes below 0.00001; gnomAD 0.00001; TOPMed 0.00001.
gnomAD v4.1: 5 of 1,613,836 alleles (0.00031%); highest among the groups gnomAD compares: Non-Finnish European, 0.00042%; no homozygotes.

Submission:

Labcorp Genetics (formerly Invitae), Labcorp
Classification: Uncertain significance for Emery-Dreifuss muscular dystrophy 4, autosomal dominant; Autosomal recessive ataxia, Beauce type. Last evaluated: 2020-08-14. Review status: criteria provided, single submitter. Criteria: Invitae Variant Classification Sherloc (09022015). Collection method: clinical testing. Allele origin: germline.
Comment: This variant has not been reported in the literature in individuals with SYNE1-related conditions. In summary, the available evidence is currently insufficient to determine the role of this variant in disease. Therefore, it has been classified as a Variant of Uncertain Significance. Algorithms developed to predict the effect of missense changes on protein structure and function (SIFT, PolyPhen-2, Align-GVGD) all suggest that this variant is likely to be tolerated, but these predictions have not been confirmed by published functional studies and their clinical significance is uncertain. This variant is not present in population databases (ExAC no frequency). This sequence change replaces isoleucine with valine at codon 7802 of the SYNE1 protein (p.Ile7802Val). The isoleucine residue is moderately conserved and there is a small physicochemical difference between isoleucine and valine.

NM_182961.4(SYNE1):c.23617A>G (p.Ile7873Val)

Gene: SYNE1 (spectrin repeat containing nuclear envelope protein 1; minus strand). Cytogenetic location: 6q25.2.
Variant type: single nucleotide variant.
Coding change: c.23617A>G on transcript NM_182961.4 (MANE Select); coding-DNA position 23617, A replaced by G.
Protein change: p.Ile7873Val; replaces isoleucine 7873 with valine.
Molecular consequence: missense variant.
Genome position (GRCh38, 1-based): chr6:152,176,404, T>C on the plus strand (A>G on the coding strand, the complement: SYNE1 is on the minus strand). VCF-style: chr6-152176404-T-C. GRCh37 (hg19) VCF-style: chr6-152497539-T-C.
Other names: c.223A>G, p.Ile75Val (NM_001347701.2); c.23404A>G, p.Ile7802Val (NM_033071.5); short protein forms I75V, I7802V, I7873V.
Identifiers: ClinVar variation 1006332 (VCV001006332.8), dbSNP rs1249661326, ClinGen allele CA366090121.